The following is an entry in ClinVar:

ClinVar aggregate classification (germline): Uncertain significance. Review status: criteria provided, multiple submitters, no conflicts (2 of 4 stars). 2 submissions from 2 submitters: Uncertain significance (2). Last evaluated 2025-06-04.

Conditions:
Fanconi anemia (FA). Also called: Fanconi's anemia. Identifiers: Orphanet 84, MedGen C0015625, MeSH D005199, MONDO:0019391.

Allele frequency attached by ClinVar (database versions not stated): TOPMed below 0.00001; ExAC 0.00001; gnomAD 0.00001.
gnomAD v4.1: 2 of 1,605,890 alleles (0.00012%); highest among the groups gnomAD compares: East Asian, 0.0045%; no homozygotes.

Submissions (2):

Quest Diagnostics Nichols Institute San Juan Capistrano
Classification: Uncertain significance. Last evaluated: 2025-06-04. Review status: criteria provided, single submitter. Criteria: Quest Diagnostics criteria. Collection method: clinical testing. Allele origin: unknown.
Comment: The FANCA c.1006+6C>T variant has not been reported in individuals with FANCA-related conditions in the published literature. The frequency of this variant in the general population (Genome Aggregation Database) is uninformative in the assessment of its pathogenicity. Analysis of this variant using software algorithms for the prediction of the effect of nucleotide changes on splicing yielded predictions that this variant does not affect FANCA mRNA splicing. Based on the available information, we are unable to determine the clinical significance of this variant.

Labcorp Genetics (formerly Invitae), Labcorp
Classification: Uncertain significance for Fanconi anemia. Last evaluated: 2025-02-13. Review status: criteria provided, single submitter. Criteria: Invitae Variant Classification Sherloc (09022015). Collection method: clinical testing. Allele origin: germline.
Comment: This sequence change falls in intron 11 of the FANCA gene. It does not directly change the encoded amino acid sequence of the FANCA protein. It affects a nucleotide within the consensus splice site. This variant is not present in population databases (gnomAD no frequency). This variant has not been reported in the literature in individuals affected with FANCA-related conditions. ClinVar contains an entry for this variant (Variation ID: 2145567). Variants that disrupt the consensus splice site are a relatively common cause of aberrant splicing (PMID: 17576681, 9536098). Algorithms developed to predict the effect of sequence changes on RNA splicing suggest that this variant is not likely to affect RNA splicing. In summary, the available evidence is currently insufficient to determine the role of this variant in disease. Therefore, it has been classified as a Variant of Uncertain Significance.

Literature cited by the submitters: PubMed 17576681 (cited by Labcorp Genetics (formerly Invitae), Labcorp); PubMed 9536098 (cited by Labcorp Genetics (formerly Invitae), Labcorp).

NM_000135.4(FANCA):c.1006+6C>T

Gene: FANCA (FA complementation group A; minus strand). Cytogenetic location: 16q24.3.
Variant type: single nucleotide variant.
Coding change: c.1006+6C>T on transcript NM_000135.4 (MANE Select); 6 bases into the intron after coding-DNA position 1006, C replaced by T.
Molecular consequence: intron variant.
Genome position (GRCh38, 1-based): chr16:89,795,900, G>A on the plus strand (C>T on the coding strand, the complement: FANCA is on the minus strand). VCF-style: chr16-89795900-G-A. GRCh37 (hg19) VCF-style: chr16-89862308-G-A.
Other names: c.1006+6C>T (NM_000135.3, NM_001286167.3).
Identifiers: ClinVar variation 2145567 (VCV002145567.4), dbSNP rs759224475, ClinGen allele CA8252595.